The following is an entry in ClinVar:

ClinVar aggregate classification (germline): Uncertain significance (1 of 4 stars; one submission).

Conditions:
Congenital myasthenic syndrome 10. Also called: Myasthenia, limb-girdle, familial. Identifiers: Orphanet 590, MedGen C1850792, MONDO:0009690, OMIM 254300.
Fetal akinesia deformation sequence 1 (FADS1). Also called: Fetal akinesia sequence; Pena-Shokeir syndrome type I. Identifiers: Orphanet 994, MedGen C1276035, MONDO:0100101, OMIM 208150, HP:0001989.

Submission:

Labcorp Genetics (formerly Invitae), Labcorp
Classification: Uncertain significance for Congenital myasthenic syndrome 10; Fetal akinesia deformation sequence 1. Last evaluated: 2022-07-12. Review status: criteria provided, single submitter. Criteria: Invitae Variant Classification Sherloc (09022015). Collection method: clinical testing. Allele origin: germline.
Comment: This sequence change replaces glutamic acid, which is acidic and polar, with alanine, which is neutral and non-polar, at codon 382 of the DOK7 protein (p.Glu382Ala). This variant is not present in population databases (gnomAD no frequency). This variant has not been reported in the literature in individuals affected with DOK7-related conditions. ClinVar contains an entry for this variant (Variation ID: 1015820). Algorithms developed to predict the effect of missense changes on protein structure and function are either unavailable or do not agree on the potential impact of this missense change (SIFT: "Deleterious"; PolyPhen-2: "Possibly Damaging"; Align-GVGD: "Class C0"). In summary, the available evidence is currently insufficient to determine the role of this variant in disease. Therefore, it has been classified as a Variant of Uncertain Significance.

NM_173660.5(DOK7):c.1145A>C (p.Glu382Ala)

Gene: DOK7 (docking protein 7; plus strand). Cytogenetic location: 4p16.3.
Variant type: single nucleotide variant.
Coding change: c.1145A>C on transcript NM_173660.5 (MANE Select); coding-DNA position 1145, A replaced by C.
Protein change: p.Glu382Ala; replaces glutamic acid 382 with alanine.
Molecular consequence: missense variant. On other transcripts: 3 prime UTR variant (1).
Genome position (GRCh38, 1-based): chr4:3,493,131, A>C. VCF-style: chr4-3493131-A-C. GRCh37 (hg19) VCF-style: chr4-3494858-A-C.
Other names: c.*366A>C (NM_001164673.2); c.215A>C, p.Glu72Ala (NM_001256896.2); c.1145A>C, p.Glu382Ala (NM_001301071.2); c.713A>C, p.Glu238Ala (NM_001363811.2); short protein forms E238A, E382A, E72A.
Identifiers: ClinVar variation 1015820 (VCV001015820.9), dbSNP rs1728631866, ClinGen allele CA356117435.